The following is an entry in ClinVar:

ClinVar aggregate classification (germline): Uncertain significance (1 of 4 stars; one submission).

Submission:

GeneDx
Classification: Uncertain significance. Last evaluated: 2026-08-04. Review status: criteria provided, single submitter. Criteria: GeneDx Variant Classification Process June 2021. Collection method: clinical testing. Allele origin: germline.
Comment: Not observed at significant frequency in large population cohorts (gnomAD); Frameshift variant predicted to result in abnormal protein length as the last 65 amino acid(s) are replaced with 39 different amino acid(s); Has not been previously published as pathogenic or benign to our knowledge

NM_181458.4(PAX3):c.1241dup (p.Leu415fs)

Gene: PAX3 (paired box 3; minus strand). Cytogenetic location: 2q36.1.
Variant type: Duplication.
Coding change: c.1241dup on transcript NM_181458.4 (MANE Select); coding-DNA position 1241, one base duplicated (C; older notation c.1241dupC).
Protein change: p.Leu415fs; shifts the reading frame from leucine 415.
Molecular consequence: frameshift variant. On other transcripts: intron variant (2).
Genome position (GRCh38, 1-based): chr2:222,202,123, G duplicated on the plus strand (C on the coding strand, the reverse complement: PAX3 is on the minus strand); the first of 4 consecutive G bases (chr2:222,202,123-222,202,126); duplicating any one gives the same sequence. VCF-style (leftmost placement, unchanged base first): chr2-222202122-A-AG. GRCh37 (hg19) VCF-style: chr2-223066841-A-AG.
Other names: c.1238dup, p.Leu414fs (NM_001127366.3); c.1241dup, p.Leu415fs (NM_181457.4, NM_181459.4); c.1174-681dup (NM_181460.4, NM_181461.4); short protein forms L414fs, L415fs.
Identifiers: ClinVar variation 2503139 (VCV002503139.2), dbSNP rs2469196993, ClinGen allele CA2580616711.